The following is an entry in ClinVar:

ClinVar aggregate classification (germline): Likely benign (1 of 4 stars; one submission).

gnomAD v4.1: 24 of 1,207,397 alleles (0.002%); highest among the groups gnomAD compares: East Asian, 0.042%; no homozygotes.

Submission:

CeGaT Center for Human Genetics Tuebingen
Classification: Likely benign. Last evaluated: 2026-09-01. Review status: criteria provided, single submitter. Criteria: CeGaT Center For Human Genetics Tuebingen Variant Classification Criteria Version 2. Collection method: clinical testing. Allele origin: germline. Affected: yes. Observed: 1 variant allele.
Comment: KIF4A: BP4, BP7, BS2

NM_012310.5(KIF4A):c.3201C>T (p.Asp1067=)

Gene: KIF4A (kinesin family member 4A; plus strand). Cytogenetic location: Xq13.1.
Variant type: single nucleotide variant.
Coding change: c.3201C>T on transcript NM_012310.5 (MANE Select); coding-DNA position 3201, C replaced by T.
Protein change: p.Asp1067=; no amino-acid change (aspartic acid 1067 retained).
Molecular consequence: synonymous variant.
Genome position (GRCh38, 1-based): chrX:70,407,021, C>T. VCF-style: chrX-70407021-C-T. GRCh37 (hg19) VCF-style: chrX-69626871-C-T.
Identifiers: ClinVar variation 5041374 (VCV005041374.1).